The following is an entry in ClinVar:

ClinVar aggregate classification (germline): Uncertain significance (1 of 4 stars; one submission).

Submission:

GeneDx
Classification: Uncertain significance. Last evaluated: 2023-03-03. Review status: criteria provided, single submitter. Criteria: GeneDx Variant Classification Process June 2021. Collection method: clinical testing. Allele origin: germline. Affected: yes.
Comment: Not observed at significant frequency in large population cohorts (gnomAD); In silico analysis supports that this missense variant has a deleterious effect on protein structure/function; Has not been previously published as pathogenic or benign to our knowledge

NM_006015.6(ARID1A):c.2099T>G (p.Val700Gly)

Gene: ARID1A (AT-rich interaction domain 1A; plus strand). Cytogenetic location: 1p36.11.
Variant type: single nucleotide variant.
Coding change: c.2099T>G on transcript NM_006015.6 (MANE Select); coding-DNA position 2099, T replaced by G.
Protein change: p.Val700Gly; replaces valine 700 with glycine.
Molecular consequence: missense variant.
Genome position (GRCh38, 1-based): chr1:26,761,034, T>G. VCF-style: chr1-26761034-T-G. GRCh37 (hg19) VCF-style: chr1-27087525-T-G.
Other names: c.2099T>G, p.Val700Gly (NM_139135.4); short protein forms V700G.
Identifiers: ClinVar variation 2578109 (VCV002578109.1), dbSNP rs113952845, ClinGen allele CA339153131.